The following is an entry in ClinVar:

NM_004500.4(HNRNPC):c.538C>T (p.Leu180Phe)

Gene: HNRNPC (heterogeneous nuclear ribonucleoprotein C; minus strand). Cytogenetic location: 14q11.2.
Variant type: single nucleotide variant.
Coding change: c.538C>T on transcript NM_004500.4 (MANE Select); coding-DNA position 538, C replaced by T.
Protein change: p.Leu180Phe; replaces leucine 180 with phenylalanine.
Molecular consequence: missense variant.
Genome position (GRCh38, 1-based): chr14:21,211,909, G>A on the plus strand (C>T on the coding strand, the complement: HNRNPC is on the minus strand). VCF-style: chr14-21211909-G-A. GRCh37 (hg19) VCF-style: chr14-21680068-G-A.
Other names: c.577C>T, p.Leu193Phe (NM_001077442.2, NM_031314.3); c.538C>T, p.Leu180Phe (NM_001077443.2); short protein forms L180F, L193F.
Identifiers: ClinVar variation 4532672 (VCV004532672.1).

ClinVar aggregate classification (germline): Uncertain significance (1 of 4 stars; one submission).

Submission:

GeneDx
Classification: Uncertain significance. Last evaluated: 2025-05-28. Review status: criteria provided, single submitter. Criteria: GeneDx Variant Classification Process June 2021. Collection method: clinical testing. Allele origin: germline. Affected: yes.
Comment: In silico analysis supports that this missense variant has a deleterious effect on protein structure/function; Has not been previously published as pathogenic or benign to our knowledge